The following is an entry in ClinVar:

NM_006662.3(SRCAP):c.6476G>A (p.Arg2159Gln)

Gene: SRCAP (Snf2 related CREBBP activator protein; plus strand). Cytogenetic location: 16p11.2.
Variant type: single nucleotide variant.
Coding change: c.6476G>A on transcript NM_006662.3 (MANE Select); coding-DNA position 6476, G replaced by A.
Protein change: p.Arg2159Gln; replaces arginine 2159 with glutamine.
Molecular consequence: missense variant.
Genome position (GRCh38, 1-based): chr16:30,733,780, G>A. VCF-style: chr16-30733780-G-A. GRCh37 (hg19) VCF-style: chr16-30745101-G-A.
Other names: short protein forms R2159Q.
Identifiers: ClinVar variation 2971507 (VCV002971507.5), dbSNP rs761971000, ClinGen allele CA8012225.

ClinVar aggregate classification (germline): Conflicting classifications of pathogenicity. Review status: criteria provided, conflicting classifications (1 of 4 stars). 3 submissions from 3 submitters: Uncertain significance (2); Likely benign (1). Last evaluated 2024-04-02.

Conditions:
Floating-Harbor syndrome (FLHS). Also called: Short stature with delayed bone age, expressive language delay, a triangular face with a prominent nose and deep-set eyes; Pelletier-Leisti syndrome; SRCAP-Related Floating-Harbor Syndrome. Identifiers: Orphanet 2044, MedGen C0729582, MONDO:0007621, OMIM 136140.
Developmental delay, hypotonia, musculoskeletal defects, and behavioral abnormalities. Identifiers: MedGen C5562012, MONDO:0859202, OMIM 619595.

Allele frequency attached by ClinVar (database versions not stated): TOPMed below 0.00001; gnomAD 0.00001; gnomAD exomes 0.00002; ExAC 0.00004.
gnomAD v4.1: 28 of 1,613,556 alleles (0.0017%); highest among the groups gnomAD compares: Middle Eastern, 0.033%; no homozygotes.

Submissions (3):

Labcorp Genetics (formerly Invitae), Labcorp
Classification: Uncertain significance. Last evaluated: 2024-04-02. Review status: criteria provided, single submitter. Criteria: Invitae Variant Classification Sherloc (09022015). Collection method: clinical testing. Allele origin: germline.
Comment: This sequence change replaces arginine, which is basic and polar, with glutamine, which is neutral and polar, at codon 2159 of the SRCAP protein (p.Arg2159Gln). This variant is present in population databases (rs761971000, gnomAD 0.02%). This variant has not been reported in the literature in individuals affected with SRCAP-related conditions. Advanced modeling of protein sequence and biophysical properties (such as structural, functional, and spatial information, amino acid conservation, physicochemical variation, residue mobility, and thermodynamic stability) has been performed at Invitae for this missense variant, however the output from this modeling did not meet the statistical confidence thresholds required to predict the impact of this variant on SRCAP protein function. In summary, the available evidence is currently insufficient to determine the role of this variant in disease. Therefore, it has been classified as a Variant of Uncertain Significance.

Fulgent Genetics
Classification: Uncertain significance for Floating-Harbor syndrome; Developmental delay, hypotonia, musculoskeletal defects, and behavioral abnormalities. Last evaluated: 2024-01-12. Review status: criteria provided, single submitter. Criteria: ACMG Guidelines, 2015. Collection method: clinical testing. Allele origin: germline.

Blueprint Genetics
Classification: Likely benign. Last evaluated: 2022-12-16. Review status: criteria provided, single submitter. Criteria: ACMG Guidelines, 2015. Collection method: clinical testing. Allele origin: germline.